The following is an entry in ClinVar:

NM_001734.5(C1S):c.1492G>T (p.Ala498Ser)

Gene: C1S (complement C1s; plus strand). Cytogenetic location: 12p13.31.
Variant type: single nucleotide variant.
Coding change: c.1492G>T on transcript NM_001734.5 (MANE Select); coding-DNA position 1492, G replaced by T.
Protein change: p.Ala498Ser; replaces alanine 498 with serine.
Molecular consequence: missense variant.
Genome position (GRCh38, 1-based): chr12:7,070,076, G>T. VCF-style: chr12-7070076-G-T. GRCh37 (hg19) VCF-style: chr12-7177380-G-T.
Other names: c.991G>T, p.Ala331Ser (NM_001346850.2); c.1492G>T, p.Ala498Ser (NM_201442.4); short protein forms A331S, A498S.
Identifiers: ClinVar variation 3683074 (VCV003683074.2).

ClinVar aggregate classification (germline): Uncertain significance (1 of 4 stars; one submission).

gnomAD v4.1: 1 of 1,613,938 alleles (0.000062%); highest among the groups gnomAD compares: African/African-American, 0.0013%; no homozygotes.

Submission:

Labcorp Genetics (formerly Invitae), Labcorp
Classification: Uncertain significance. Last evaluated: 2024-03-08. Review status: criteria provided, single submitter. Criteria: Invitae Variant Classification Sherloc (09022015). Collection method: clinical testing. Allele origin: germline.
Comment: This sequence change replaces alanine, which is neutral and non-polar, with serine, which is neutral and polar, at codon 498 of the C1S protein (p.Ala498Ser). The frequency data for this variant in the population databases is considered unreliable, as metrics indicate poor data quality at this position in the gnomAD database. This variant has not been reported in the literature in individuals affected with C1S-related conditions. Advanced modeling of protein sequence and biophysical properties (such as structural, functional, and spatial information, amino acid conservation, physicochemical variation, residue mobility, and thermodynamic stability) performed at Invitae indicates that this missense variant is not expected to disrupt C1S protein function with a negative predictive value of 80%. In summary, the available evidence is currently insufficient to determine the role of this variant in disease. Therefore, it has been classified as a Variant of Uncertain Significance.